The following is an entry in ClinVar:

NM_007294.4(BRCA1):c.3705_3747dup (p.Glu1250delinsGlnTyrThrPheSerValTyrTer)

Genes: BRCA1 (BRCA1 DNA repair associated; minus strand), LOC126862571 (BRD4-independent group 4 enhancer GRCh37_chr17:41243136-41244335; plus strand). Cytogenetic location: 17q21.31.
Variant type: Duplication.
Coding change: c.3705_3747dup on transcript NM_007294.4 (MANE Select); coding-DNA positions 3705 to 3747, 43 bases duplicated.
Protein change: p.Glu1250delinsGlnTyrThrPheSerValTyrTer.
Molecular consequence: nonsense. On other transcripts: frameshift variant (1), intron variant (135).
Genome position (GRCh38, 1-based): chr17:43,091,784-43,091,826, 43 bases duplicated. GRCh37 (hg19): chr17:41,243,801-41,243,843.
Other names: c.3705_3747dupCAATATACCTTCTCAGTCTACTAGGCATAGCACCGTTGCTACC (NM_007294.3); c.3561_3603dup, p.Glu1202delinsGlnTyrThrPheSerValTyrTer (NM_001407848.1, NM_001407849.1, NM_001407943.1 and 20 more transcripts); c.3564_3606dup, p.Glu1203delinsGlnTyrThrPheSerValTyrTer (NM_001407850.1, NM_001407851.1, NM_001407852.1 and 29 more transcripts); c.3492_3534dup, p.Glu1179delinsGlnTyrThrPheSerValTyrTer (NM_001407853.1, NM_001407894.1, NM_001407895.1 and 9 more transcripts); c.3705_3747dup, p.Glu1250delinsGlnTyrThrPheSerValTyrTer (NM_001407854.1, NM_001407858.1, NM_001407859.1 and 30 more transcripts); c.3702_3744dup, p.Glu1249delinsGlnTyrThrPheSerValTyrTer (NM_001407860.1, NM_001407861.1, NM_001407587.1 and 22 more transcripts); c.3504_3546dup, p.Glu1183delinsGlnTyrThrPheSerValTyrTer (NM_001407862.1); c.3582_3624dup, p.Glu1209delinsGlnTyrThrPheSerValTyrTer (NM_001407863.1, NM_001407919.1, NM_001407937.1 and 19 more transcripts); and 42 more.
Identifiers: ClinVar variation 440468 (VCV000440468.20), dbSNP rs797044631, ClinGen allele CA274940.
Genomic context (GRCh38, chr17:43,091,783, plus strand): 5'-AGTCATTTAAGCTATTCTTCAATGATAATAAATTCTCCTCTGTGTTCTTAGACAGACACT[C>CGGTAGCAACGGTGCTATGCCTAGTAGACTGAGAAGGTATATTG]GGTAGCAACGGTGCTATGCCTAGTAGACTGAGAAGGTATATTGTTTACTTTACCAAATAA-3'

ClinVar aggregate classification (germline): Pathogenic. Review status: reviewed by expert panel (3 of 4 stars). 7 submissions from 7 submitters: Pathogenic (1). 6 of the submissions do not count toward it. Last evaluated 2017-12-15.

Conditions:
Hereditary breast ovarian cancer syndrome. Also called: Hereditary breast and ovarian cancer syndrome (HBOC); BRCA1- and BRCA2-Associated Hereditary Breast and Ovarian Cancer; Hereditary breast and/or ovarian cancer syndrome; Hereditary breast and ovarian cancer syndrome; Hereditary breast and ovarian cancer; Breast and ovarian cancer. Identifiers: Orphanet 145, MedGen C0677776, MeSH D061325, MONDO:0003582. Disease mechanism: loss of function.
Hereditary cancer-predisposing syndrome. Also called: Neoplastic Syndromes, Hereditary; Hereditary neoplastic syndrome; Tumor predisposition; Hereditary Cancer Syndrome. Identifiers: Orphanet 140162, MedGen C0027672, MeSH D009386, MONDO:0015356.
Breast-ovarian cancer, familial, susceptibility to, 1 (BROVCA1). Also called: BRCA1 Hereditary Breast and Ovarian Cancer; OVARIAN CANCER, SUSCEPTIBILITY TO. Identifiers: Orphanet 145, MedGen C2676676, MONDO:0011450, OMIM 604370. Disease mechanism: loss of function.

Submissions (7):

Evidence-based Network for the Interpretation of Germline Mutant Alleles (ENIGMA)
Classification: Pathogenic for Breast-ovarian cancer, familial, susceptibility to, 1. Last evaluated: 2017-12-15. Review status: reviewed by expert panel. Criteria: ENIGMA BRCA1/2 Classification Criteria (2017-06-29). Collection method: curation. Allele origin: germline. Study: ENIGMA.
Comment: Variant allele predicted to encode a truncated non-functional protein.

Labcorp Genetics (formerly Invitae), Labcorp
Classification: Pathogenic for Hereditary breast ovarian cancer syndrome. Last evaluated: 2025-11-26. Review status: criteria provided, single submitter. Criteria: Invitae Variant Classification Sherloc (09022015). Collection method: clinical testing. Allele origin: germline. Not counted in ClinVar's aggregate classification.
Comment: This sequence change creates a premature translational stop signal (p.Glu1250delinsGlnTyrThrPheSerValTyr*) in the BRCA1 gene. It is expected to result in an absent or disrupted protein product. Loss-of-function variants in BRCA1 are known to be pathogenic (PMID: 20104584). This variant is not present in population databases (gnomAD no frequency). This variant has not been reported in the literature in individuals affected with BRCA1-related conditions. ClinVar contains an entry for this variant (Variation ID: 440468). For these reasons, this variant has been classified as Pathogenic.

Ambry Genetics
Classification: Pathogenic for Hereditary cancer-predisposing syndrome. Last evaluated: 2024-05-28. Review status: criteria provided, single submitter. Criteria: Ambry Variant Classification Scheme 2023. Collection method: clinical testing. Allele origin: germline. Not counted in ClinVar's aggregate classification.
Comment: The c.3705_3747dup43 pathogenic mutation, located in coding exon 9 of the BRCA1 gene, results from a duplication of CAATATACCTTCTCAGTCTACTAGGCATAGCACCGTTGCTACC at nucleotide position 3705, causing a translational frameshift with a predicted alternate stop codon (p.E1250Qfs*8). This variant is considered to be rare based on population cohorts in the Genome Aggregation Database (gnomAD). This alteration is expected to result in loss of function by premature protein truncation or nonsense-mediated mRNA decay. As such, this alteration is interpreted as a disease-causing mutation.

All of Us Research Program, National Institutes of Health
Classification: Pathogenic for Breast-ovarian cancer, familial, susceptibility to, 1. Last evaluated: 2023-11-09. Review status: criteria provided, single submitter. Criteria: ACMG Guidelines, 2015. Collection method: clinical testing. Allele origin: germline. Inheritance: Autosomal dominant inheritance. Observed: 1 variant allele, 1 heterozygote. Not counted in ClinVar's aggregate classification.
Comment: The c.3705_3747dup (p.Glu1250Glnfs*8) variant of the BRCA1 gene creates an premature translation termination codon. It is predicted to result in an absent or disrupted protein product. This variant has not been identified in the general population by the Genome Aggregation Database (gnomAD). ClinVar has an entry for this variant and it has been classified as pathogenic by the expert panel (ID: 440468). Truncating variants in BRCA1 gene are known to be pathogenic (PMID: 21989022, 17661172, 22762150). Therefore the c.3705_3747dup (p.Glu1250Glnfs*8) variant of the BRCA1 gene is classified as pathogenic.

This study involves interpretation of variants in research participants for the purpose of population health screening. Participant phenotype was not available at the time of variant classification. Additional details can be found in publication PMID: 35346344, PMCID: PMC8962531

Eurofins Ntd Llc (ga)
Classification: Pathogenic. Last evaluated: 2018-01-25. Review status: criteria provided, single submitter. Criteria: EGL Classification Definitions 2015. Collection method: clinical testing. Allele origin: germline. Observed: 1 variant allele, 1 heterozygote. Not counted in ClinVar's aggregate classification.

Quest Diagnostics Nichols Institute San Juan Capistrano
Classification: Pathogenic. Last evaluated: 2016-07-18. Review status: criteria provided, single submitter. Criteria: Quest Diagnostics criteria. Collection method: clinical testing. Allele origin: germline. Not counted in ClinVar's aggregate classification.

Women's Health and Genetics/Laboratory Corporation of America, LabCorp
Classification: Likely pathogenic for Hereditary breast ovarian cancer syndrome. Last evaluated: 2016-01-04. Review status: criteria provided, single submitter. Criteria: LabCorp Variant Classification Summary - May 2015. Collection method: clinical testing. Allele origin: germline. Not counted in ClinVar's aggregate classification.
Comment: Variant summary: This c.3705_3747dup43 variant causes a frameshift, which alters the proteins amino acid sequence beginning at position 1250 and leads to a premature termination codon 8 amino acids downstream. It is predicted to cause a truncated or absent BRCA1 protein. Heterozygous loss-of-function due to mutations in this gene is an established disease mechanism in HBOC. Truncations downstream of this position have been classified as pathogenic by our laboratory (e.g. p.Glu1257fs). This variant was not found in approximately 121390 chromosomes from broad and large populations from ExAC. To our knowledge, this variant has not been reported in affected individuals via publications and/or reputable databases/clinical laboratories. Taken together, this variant has currently been classified as Likely Pathogenic.

Literature cited by the submitters: PubMed 20104584 (cited by Labcorp Genetics (formerly Invitae), Labcorp); PubMed 17661172 (cited by All of Us Research Program, National Institutes of Health); PubMed 21989022 (cited by All of Us Research Program, National Institutes of Health); PubMed 22762150 (cited by All of Us Research Program, National Institutes of Health).